The following is an entry in ClinVar:

ClinVar aggregate classification (germline): Uncertain significance (0 of 4 stars; one submission).

Conditions:
GRIA3-related disorder. Also called: GRIA3-related condition.

Submission:

PreventionGenetics, part of Exact Sciences
Classification: Uncertain significance for GRIA3-related condition. Last evaluated: 2024-08-15. Review status: no assertion criteria provided. Collection method: clinical testing. Allele origin: germline.
Comment: The GRIA3 c.408dupT variant is predicted to result in a frameshift and premature protein termination (p.Ile137Tyrfs*7). This variant corresponds to a deep intronic position in an alternate transcript for this gene (NM_000828: c.268+16784dup). To our knowledge, this variant has not been reported in the literature or in a large population database, indicating this variant is rare. At this time, the clinical significance of this variant is uncertain due to the absence of conclusive functional and genetic evidence.

NM_007325.5(GRIA3):c.268+16785dup

Gene: GRIA3 (glutamate ionotropic receptor AMPA type subunit 3; plus strand). Cytogenetic location: Xq25.
Variant type: Duplication.
Coding change: c.268+16785dup on transcript NM_007325.5 (MANE Select); 16785 bases into the intron after coding-DNA position 268, one base duplicated (T; older notation c.268+16785dupT).
Molecular consequence: intron variant. On other transcripts: frameshift variant (1).
Genome position (GRCh38, 1-based): chrX:123,202,775, T duplicated. VCF-style (leftmost placement, unchanged base first): chrX-123202774-G-GT. GRCh37 (hg19) VCF-style: chrX-122336625-G-GT.
Other names: c.408dup, p.Ile137fs (NM_001256743.2); c.268+16785dup (NM_000828.5); short protein forms I137fs.
Identifiers: ClinVar variation 3347579 (VCV003347579.1).